The following is an entry in ClinVar:

NM_002528.7(NTHL1):c.434G>A (p.Arg145Gln)

Gene: NTHL1 (nth like DNA glycosylase 1; minus strand). Cytogenetic location: 16p13.3.
Variant type: single nucleotide variant.
Coding change: c.434G>A on transcript NM_002528.7 (MANE Select); coding-DNA position 434, G replaced by A.
Protein change: p.Arg145Gln; replaces arginine 145 with glutamine.
Molecular consequence: missense variant. On other transcripts: intron variant (1).
Genome position (GRCh38, 1-based): chr16:2,044,721, C>T on the plus strand (G>A on the coding strand, the complement: NTHL1 is on the minus strand). VCF-style: chr16-2044721-C-T. GRCh37 (hg19) VCF-style: chr16-2094722-C-T.
Other names: c.104G>A, p.Arg35Gln (NM_001318194.2); c.355-995G>A (NM_001318193.2); short protein forms R35Q, R145Q.
Identifiers: ClinVar variation 825022 (VCV000825022.15), dbSNP rs746940807, ClinGen allele CA7828259.
Genomic context (GRCh38, chr16:2,044,721, plus strand): 5'-CCCAGCGTGGCATCATCTGTCTGCAGGATGCTGTCCACCGTCAGGCCCCGCGCCCGCAGT[C>T]GCTGCATGGCGCCCGCCGTCACCTGGTCTTTGGTTTGGCTGGAGAGCATCAGTGACAGCA-3'
Protein context (NP_002519.2, residues 135-155): KDQVTAGAMQ[Arg145Gln]LRARGLTVDS

ClinVar aggregate classification (germline): Uncertain significance. Review status: criteria provided, multiple submitters, no conflicts (2 of 4 stars). 2 submissions from 2 submitters: Uncertain significance (2). Last evaluated 2026-01-17.

Conditions:
Hereditary cancer-predisposing syndrome. Also called: Neoplastic Syndromes, Hereditary; Tumor predisposition; Hereditary neoplastic syndrome; Hereditary Cancer Syndrome. Identifiers: Orphanet 140162, MedGen C0027672, MeSH D009386, MONDO:0015356.

Allele frequency attached by ClinVar (database versions not stated): ExAC 0.00002; gnomAD exomes 0.00002; TOPMed 0.00002.

Submissions (2):

Labcorp Genetics (formerly Invitae), Labcorp
Classification: Uncertain significance. Last evaluated: 2026-01-17. Review status: criteria provided, single submitter. Criteria: Invitae Variant Classification Sherloc (09022015). Collection method: clinical testing. Allele origin: germline.
Comment: This sequence change replaces arginine, which is basic and polar, with glutamine, which is neutral and polar, at codon 153 of the NTHL1 protein (p.Arg153Gln). This variant is present in population databases (rs746940807, gnomAD 0.01%). This variant has not been reported in the literature in individuals affected with NTHL1-related conditions. ClinVar contains an entry for this variant (Variation ID: 825022). An algorithm developed to predict the effect of missense changes on protein structure and function (PolyPhen-2) suggests that this variant is likely to be disruptive. In summary, the available evidence is currently insufficient to determine the role of this variant in disease. Therefore, it has been classified as a Variant of Uncertain Significance.

Ambry Genetics
Classification: Uncertain significance for Hereditary cancer-predisposing syndrome. Last evaluated: 2024-06-21. Review status: criteria provided, single submitter. Criteria: Ambry Variant Classification Scheme 2023. Collection method: clinical testing. Allele origin: germline.
Comment: The p.R153Q variant (also known as c.458G>A), located in coding exon 3 of the NTHL1 gene, results from a G to A substitution at nucleotide position 458. The arginine at codon 153 is replaced by glutamine, an amino acid with highly similar properties. This amino acid position is highly conserved through mammals but not in all available vertebrate species. In addition, the in silico prediction for this alteration is inconclusive. Based on the available evidence, the clinical significance of this variant remains unclear.